The following is an entry in ClinVar:

NC_000019.9:g.(?_36494239)_(36494593_?)dup

Gene: SYNE4 (spectrin repeat containing nuclear envelope family member 4; minus strand). Cytogenetic location: 19q13.12.
Variant type: Duplication.
Identifiers: ClinVar variation 2423546 (VCV002423546.2).

ClinVar aggregate classification (germline): Uncertain significance (1 of 4 stars; one submission).

Submission:

Labcorp Genetics (formerly Invitae), Labcorp
Classification: Uncertain significance. Last evaluated: 2022-04-18. Review status: criteria provided, single submitter. Criteria: Invitae Variant Classification Sherloc (09022015). Collection method: clinical testing. Allele origin: germline.
Comment: This variant results in a copy number gain of the genomic region encompassing exon(s) 7-8 of the SYNE4 gene. This region includes the termination codon of the gene. This copy number gain extends beyond the assayed region for this gene and therefore may encompass additional genes. As the precise location of this event is unknown, it may be in tandem or it may be located elsewhere in the genome. This variant has not been reported in the literature in individuals affected with SYNE4-related conditions. Experimental studies and prediction algorithms are not available or were not evaluated, and the functional significance of this variant is currently unknown. In summary, the available evidence is currently insufficient to determine the role of this variant in disease. Therefore, it has been classified as a Variant of Uncertain Significance.